The following is an entry in ClinVar:

NM_024675.4(PALB2):c.1006A>G (p.Asn336Asp)

Gene: PALB2 (partner and localizer of BRCA2; minus strand). Cytogenetic location: 16p12.2.
Variant type: single nucleotide variant.
Coding change: c.1006A>G on transcript NM_024675.4 (MANE Select); coding-DNA position 1006, A replaced by G.
Protein change: p.Asn336Asp; replaces asparagine 336 with aspartic acid.
Molecular consequence: missense variant.
Genome position (GRCh38, 1-based): chr16:23,635,540, T>C on the plus strand (A>G on the coding strand, the complement: PALB2 is on the minus strand). VCF-style: chr16-23635540-T-C. GRCh37 (hg19) VCF-style: chr16-23646861-T-C.
Other names: short protein forms N336D.
Identifiers: ClinVar variation 410169 (VCV000410169.11), dbSNP rs1060502774, ClinGen allele CA16615276.
Genomic context (GRCh38, chr16:23,635,540, plus strand): 5'-TTAAAGATTTCTCTGTTTGATTTTGTTCTTTTAAGTTTTGGTTTTCATTTGCTGGTAAGT[T>C]ATTGTAGGTGAGTTCATTTAGAGAACATGAAATATTTGCCTCTAAATTAGAACTTGTGGG-3'
Protein context (NP_078951.2, residues 326-346): SCSLNELTYN[Asn336Asp]LPANENQNLK

ClinVar aggregate classification (germline): Uncertain significance. Review status: criteria provided, multiple submitters, no conflicts (2 of 4 stars). 2 submissions from 2 submitters: Uncertain significance (2). Last evaluated 2022-12-17.

Conditions:
Hereditary cancer-predisposing syndrome. Also called: Tumor predisposition; Hereditary Cancer Syndrome; Hereditary neoplastic syndrome; Neoplastic Syndromes, Hereditary. Identifiers: Orphanet 140162, MedGen C0027672, MeSH D009386, MONDO:0015356.
Familial cancer of breast. Also called: BREAST CANCER, FAMILIAL; Hereditary breast cancer; hereditary breast carcinoma. Identifiers: Orphanet 227535, MedGen C0346153, MONDO:0016419, OMIM 114480. Disease mechanism: loss of function.

Submissions (2):

Ambry Genetics
Classification: Uncertain significance for Hereditary cancer-predisposing syndrome. Last evaluated: 2022-12-17. Review status: criteria provided, single submitter. Criteria: Ambry Variant Classification Scheme 2023. Collection method: clinical testing. Allele origin: germline.
Comment: The p.N336D variant (also known as c.1006A>G), located in coding exon 4 of the PALB2 gene, results from an A to G substitution at nucleotide position 1006. The asparagine at codon 336 is replaced by aspartic acid, an amino acid with highly similar properties. This amino acid position is conserved. In addition, this alteration is predicted to be tolerated by in silico analysis. Since supporting evidence is limited at this time, the clinical significance of this alteration remains unclear.

Labcorp Genetics (formerly Invitae), Labcorp
Classification: Uncertain significance for Familial cancer of breast. Last evaluated: 2016-05-14. Review status: criteria provided, single submitter. Criteria: Invitae Variant Classification Sherloc (09022015). Collection method: clinical testing. Allele origin: germline.
Comment: Algorithms developed to predict the effect of missense changes on protein structure and function output the following: (SIFT: "Tolerated"; PolyPhen-2: "Benign"; Align-GVGD: "Class C0"). The aspartic acid amino acid residue is also found in multiple mammalian species, suggesting that this missense change does not adversely affect protein function. These predictions have not been confirmed by published functional studies. In summary, this variant is a novel missense change that is not predicted to affect protein function. There is no indication that it causes disease, but the available evidence is currently insufficient to prove that conclusively. Therefore, it has been classified as a Variant of Uncertain Significance. This variant is not present in population databases (ExAC no frequency) and has not been reported in the literature in individuals with a PALB2-related disease. This sequence change replaces asparagine with aspartic acid at codon 336 of the PALB2 protein (p.Asn336Asp). The asparagine residue is moderately conserved and there is a small physicochemical difference between asparagine and aspartic acid.